The following is an entry in ClinVar:

ClinVar aggregate classification (germline): Benign/Likely benign. Review status: criteria provided, single submitter (1 of 4 stars). 4 submissions from 1 submitter: Benign (1); Likely benign (3). Last evaluated 2018-01-13.

Conditions:
Jervell and Lange-Nielsen syndrome 1 (JLNS1). Also called: CARDIOAUDITORY SYNDROME OF JERVELL AND LANGE-NIELSEN; DEAFNESS, CONGENITAL, AND FUNCTIONAL HEART DISEASE; PROLONGED QT INTERVAL IN EKG AND SUDDEN DEATH; SURDO-CARDIAC SYNDROME. Identifiers: Orphanet 768, Orphanet 90647, MedGen C4551509, MONDO:0024540, OMIM 220400.
Short QT syndrome type 2. Identifiers: Orphanet 51083, MedGen C1865019, MONDO:0012313, OMIM 609621.
Long QT syndrome 1 (LQT1). Identifiers: Orphanet 101016, Orphanet 768, MedGen C4551647, MONDO:0100316, OMIM 192500, MONDO:0008646.
Atrial fibrillation, familial, 3 (ATFB3). Identifiers: MedGen C1837014, MONDO:0011857, OMIM 607554.

Allele frequency attached by ClinVar (database versions not stated): gnomAD 0.00001 and 0.00027; TOPMed 0.00005; gnomAD exomes 0.00167 and 0.00177; 1000 Genomes Project 30x 0.00203; 1000 Genomes Project 0.00220; ExAC 0.00640.
gnomAD v4.1: 559 of 454,178 alleles (0.12%); highest among the groups gnomAD compares: South Asian, 0.85%; 9 homozygotes.

Submissions (4):

Illumina Laboratory Services, Illumina
Classification: Likely benign for Atrial fibrillation, familial, 3. Last evaluated: 2018-01-13. Review status: criteria provided, single submitter. Criteria: ICSL Variant Classification Criteria 13 December 2019. Collection method: clinical testing. Allele origin: germline.
Comment: This variant was observed in the ICSL laboratory as part of a predisposition screen in an ostensibly healthy population. It had not been previously curated by ICSL or reported in the Human Gene Mutation Database (HGMD: prior to June 1st, 2018), and was therefore a candidate for classification through an automated scoring system. Utilizing variant allele frequency, disease prevalence and penetrance estimates, and inheritance mode, an automated score was calculated to assess if this variant is too frequent to cause the disease. Based on the score and internal cut-off values, a variant classified as likely benign is not then subjected to further curation. The score for this variant resulted in a classification of likely benign for this disease.

Illumina Laboratory Services, Illumina
Classification: Likely benign for Long QT syndrome 1. Last evaluated: 2018-01-13. Review status: criteria provided, single submitter. Criteria: ICSL Variant Classification Criteria 13 December 2019. Collection method: clinical testing. Allele origin: germline.
Comment: the same text as in the submission from Illumina Laboratory Services, Illumina above.

Illumina Laboratory Services, Illumina
Classification: Benign for Short QT syndrome type 2. Last evaluated: 2018-01-13. Review status: criteria provided, single submitter. Criteria: ICSL Variant Classification Criteria 13 December 2019. Collection method: clinical testing. Allele origin: germline.
Comment: This variant was observed in the ICSL laboratory as part of a predisposition screen in an ostensibly healthy population. It had not been previously curated by ICSL or reported in the Human Gene Mutation Database (HGMD: prior to June 1st, 2018), and was therefore a candidate for classification through an automated scoring system. Utilizing variant allele frequency, disease prevalence and penetrance estimates, and inheritance mode, an automated score was calculated to assess if this variant is too frequent to cause the disease. Based on the score and internal cut-off values, a variant classified as benign is not then subjected to further curation. The score for this variant resulted in a classification of benign for this disease.

Illumina Laboratory Services, Illumina
Classification: Likely benign for Jervell and Lange-Nielsen syndrome 1. Last evaluated: 2018-01-13. Review status: criteria provided, single submitter. Criteria: ICSL Variant Classification Criteria 13 December 2019. Collection method: clinical testing. Allele origin: germline.
Comment: the same text as in the submission from Illumina Laboratory Services, Illumina above.

NM_000218.3(KCNQ1):c.*806C>T

Genes: KCNQ1-AS1 (KCNQ1 antisense RNA 1; minus strand), KCNQ1 (potassium voltage-gated channel subfamily Q member 1; plus strand). Cytogenetic location: 11p15.4.
Variant type: single nucleotide variant.
Coding change: c.*806C>T on transcript NM_000218.3 (MANE Select); 806 bases downstream of the stop codon, C replaced by T.
Molecular consequence: 3 prime UTR variant.
Genome position (GRCh38, 1-based): chr11:2,848,809, C>T. VCF-style: chr11-2848809-C-T. GRCh37 (hg19) VCF-style: chr11-2870039-C-T.
Other names: c.*806C>T (NM_001406836.1, NM_001406837.1, NM_001406838.1 and 2 more transcripts).
Identifiers: ClinVar variation 304260 (VCV000304260.8), dbSNP rs539398869, ClinGen allele CA040770.